The following is an entry in ClinVar:

ClinVar aggregate classification (germline): Uncertain significance (1 of 4 stars; one submission).

Conditions:
X-linked immunodeficiency with magnesium defect, Epstein-Barr virus infection and neoplasia. Identifiers: Orphanet 317476, MedGen C3275445, MONDO:0010455, OMIM 300853.

Submission:

Labcorp Genetics (formerly Invitae), Labcorp
Classification: Uncertain significance for X-linked immunodeficiency with magnesium defect, Epstein-Barr virus infection and neoplasia. Last evaluated: 2024-10-17. Review status: criteria provided, single submitter. Criteria: Invitae Variant Classification Sherloc (09022015). Collection method: clinical testing. Allele origin: germline.
Comment: This sequence change replaces proline, which is neutral and non-polar, with serine, which is neutral and polar, at codon 180 of the MAGT1 protein (p.Pro180Ser). This variant is not present in population databases (gnomAD no frequency). This variant has not been reported in the literature in individuals affected with MAGT1-related conditions. Invitae Evidence Modeling of protein sequence and biophysical properties (such as structural, functional, and spatial information, amino acid conservation, physicochemical variation, residue mobility, and thermodynamic stability) indicates that this missense variant is not expected to disrupt MAGT1 protein function with a negative predictive value of 80%. In summary, the available evidence is currently insufficient to determine the role of this variant in disease. Therefore, it has been classified as a Variant of Uncertain Significance.

NM_001367916.1(MAGT1):c.442C>T (p.Pro148Ser)

Gene: MAGT1 (magnesium transporter 1; minus strand). Cytogenetic location: Xq21.1.
Variant type: single nucleotide variant.
Coding change: c.442C>T on transcript NM_001367916.1 (MANE Select); coding-DNA position 442, C replaced by T.
Protein change: p.Pro148Ser; replaces proline 148 with serine.
Molecular consequence: missense variant.
Genome position (GRCh38, 1-based): chrX:77,857,446, G>A on the plus strand (C>T on the coding strand, the complement: MAGT1 is on the minus strand). VCF-style: chrX-77857446-G-A. GRCh37 (hg19) VCF-style: chrX-77112943-G-A.
Other names: c.538C>T, p.Pro180Ser (NM_032121.5); short protein forms P180S, P148S.
Identifiers: ClinVar variation 3642153 (VCV003642153.2).